The following is an entry in ClinVar:

NM_001384140.1(PCDH15):c.1073_1074del (p.His358fs)

Gene: PCDH15 (protocadherin related 15; minus strand). Cytogenetic location: 10q21.1.
Variant type: Deletion.
Coding change: c.1073_1074del on transcript NM_001384140.1 (MANE Select); coding-DNA positions 1073 to 1074, 2 bases deleted (AC; older notation c.1073_1074delAC).
Protein change: p.His358fs; shifts the reading frame from histidine 358.
Molecular consequence: frameshift variant.
Genome position (GRCh38, 1-based): chr10:54,213,960-54,213,961, GT deleted on the plus strand (AC on the coding strand, the reverse complement: PCDH15 is on the minus strand); deleting any 2 consecutive bases within chr10:54,213,960-54,213,962 gives the same sequence; the c. name uses the placement nearest the transcript's 3' end. VCF-style (leftmost placement, unchanged base first): chr10-54213959-GGT-G. GRCh37 (hg19) VCF-style: chr10-55973719-GGT-G.
Other names: c.1088_1089del, p.His363fs (NM_001142763.2, NM_001142771.2); c.1073_1074del, p.His358fs (NM_001142764.2, NM_001142765.2, NM_001142766.2 and 7 more transcripts); c.962_963del, p.His321fs (NM_001142767.2); c.1007_1008del, p.His336fs (NM_001142768.2, NM_001142773.2, NM_001354404.2); c.1087_1088delCA, p.His363Profs (NM_001142769.4); short protein forms H321fs, H336fs, H358fs, H363fs.
Identifiers: ClinVar variation 1726953 (VCV001726953.2), dbSNP rs2539929475, ClinGen allele CA2580081641.
Genomic context (GRCh38, chr10:54,213,959, plus strand): 5'-CATAAACACAAGGAAATAAGATATTAGCTTAATTTACCTTAATAACCAAATCAAATTTCT[GGT>G]GAAAGTCTCTGTTTACTGGCTCCAGGAGACTAAGTTCTGCTGTCCTAGGATGCATATGGA-3'

ClinVar aggregate classification (germline): Likely pathogenic (1 of 4 stars; one submission).

Conditions:
Usher syndrome type 1D (USH1D). Also called: USHER SYNDROME, TYPE ID. Identifiers: Orphanet 231169, Orphanet 886, MedGen C1832845, MONDO:0010984, OMIM 601067.

Submission:

Myriad Genetics, Inc.
Classification: Likely pathogenic for Usher syndrome type 1D. Last evaluated: 2022-01-02. Review status: criteria provided, single submitter. Criteria: Myriad Women's Health Autosomal Recessive and X-Linked Classification Criteria (2021). Collection method: clinical testing. Allele origin: unknown.
Comment: NM_033056.3(PCDH15):c.1073_1074delAC(H358Pfs*4) is expected to be pathogenic in the context of PCDH15-related disorders. This variant is predicted to lead to an abnormal or absent protein product due to the creation of a premature termination codon in PCDH15, a gene where loss-of-function variants are known to be pathogenic. Please note: this variant was assessed in the context of healthy population screening.